The following is an entry in ClinVar:

NM_002474.3(MYH11):c.5796C>T (p.Asn1932=)

Genes: MYH11 (myosin heavy chain 11; minus strand), NDE1 (nudE neurodevelopment protein 1; plus strand). Cytogenetic location: 16p13.11.
Variant type: single nucleotide variant.
Coding change: c.5796C>T on transcript NM_002474.3 (MANE Select); coding-DNA position 5796, C replaced by T.
Protein change: p.Asn1932=; no amino-acid change (asparagine 1932 retained).
Molecular consequence: synonymous variant. On other transcripts: 3 prime UTR variant (2), intron variant (2).
Genome position (GRCh38, 1-based): chr16:15,704,114, G>A on the plus strand (C>T on the coding strand, the complement: MYH11 is on the minus strand). VCF-style: chr16-15704114-G-A. GRCh37 (hg19) VCF-style: chr16-15797971-G-A.
Other names: p.N1932N:AAC>AAT; c.*18C>T (NM_001040113.2, NM_022844.3); c.5817C>T, p.Asn1939= (NM_001040114.2); c.947+7254G>A (NM_001143979.2, NM_017668.3).
Identifiers: ClinVar variation 201043 (VCV000201043.55), dbSNP rs149529195, ClinGen allele CA306480.

ClinVar aggregate classification (germline): Benign/Likely benign. Review status: criteria provided, multiple submitters, no conflicts (2 of 4 stars). 9 submissions from 9 submitters: Benign (4); Likely benign (3). 2 of the submissions do not count toward it. Last evaluated 2026-03-01.

Conditions:
Familial thoracic aortic aneurysm and aortic dissection (TAAD). Also called: Thoracic aortic aneurysms and dissections. Identifiers: Orphanet 91387, MedGen C4707243, MONDO:0019625.

Allele frequency attached by ClinVar (database versions not stated): 1000 Genomes Project 0.00260; ESP Exome Variant Server 0.00277; TOPMed 0.00297; 1000 Genomes Project 30x 0.00328.
gnomAD v4.1: 878 of 1,614,032 alleles (0.054%); highest among the groups gnomAD compares: African/African-American, 0.8%; 1 homozygote.

Submissions (9):

CeGaT Center for Human Genetics Tuebingen
Classification: Likely benign. Last evaluated: 2026-03-01. Review status: criteria provided, single submitter. Criteria: CeGaT Center For Human Genetics Tuebingen Variant Classification Criteria Version 2. Collection method: clinical testing. Allele origin: germline. Affected: yes. Observed: 4 variant alleles.
Comment: MYH11: BP4, BP7

ARUP Laboratories, Molecular Genetics and Genomics, ARUP Laboratories
Classification: Benign. Last evaluated: 2025-07-29. Review status: criteria provided, single submitter. Criteria: ARUP Molecular Germline Variant Investigation Process 2024. Collection method: clinical testing. Allele origin: germline.

Blueprint Genetics
Classification: Likely benign. Last evaluated: 2024-07-02. Review status: criteria provided, single submitter. Criteria: ACMG Guidelines, 2015. Collection method: clinical testing. Allele origin: germline.

Color Diagnostics, LLC DBA Color Health
Classification: Benign for Familial thoracic aortic aneurysm and aortic dissection. Last evaluated: 2018-05-29. Review status: criteria provided, single submitter. Criteria: ACMG Guidelines, 2015. Collection method: clinical testing. Allele origin: germline.

Ambry Genetics
Classification: Likely benign for Familial thoracic aortic aneurysm and aortic dissection. Last evaluated: 2016-07-27. Review status: criteria provided, single submitter. Criteria: Ambry Variant Classification Scheme 2023. Collection method: clinical testing. Allele origin: germline.

Eurofins Ntd Llc (ga)
Classification: Benign. Last evaluated: 2015-08-28. Review status: criteria provided, single submitter. Criteria: EGL Classification Definitions 2015. Collection method: clinical testing. Allele origin: germline. Observed: 1 variant allele, 1 heterozygote.

GeneDx
Classification: Benign. Last evaluated: 2014-09-22. Review status: criteria provided, single submitter. Criteria: GeneDx Variant Classification (06012015). Collection method: clinical testing. Allele origin: germline. Affected: yes.
Comment: This variant is considered likely benign or benign based on one or more of the following criteria: it is a conservative change, it occurs at a poorly conserved position in the protein, it is predicted to be benign by multiple in silico algorithms, and/or has population frequency not consistent with disease.

Genome Diagnostics Laboratory, University Medical Center Utrecht
Classification: Benign. Review status: no assertion criteria provided. Collection method: clinical testing. Allele origin: germline. Affected: yes. Study: VKGL Data-share Consensus. Not counted in ClinVar's aggregate classification.

Joint Genome Diagnostic Labs from Nijmegen and Maastricht, Radboudumc and MUMC+
Classification: Benign. Review status: no assertion criteria provided. Collection method: clinical testing. Allele origin: germline. Affected: yes. Study: VKGL Data-share Consensus. Not counted in ClinVar's aggregate classification.